The following is an entry in ClinVar:

NM_001382430.1(AKT1):c.1054C>A (p.Gln352Lys)

Gene: AKT1 (AKT serine/threonine kinase 1; minus strand). Cytogenetic location: 14q32.33.
Variant type: single nucleotide variant.
Coding change: c.1054C>A on transcript NM_001382430.1 (MANE Select); coding-DNA position 1054, C replaced by A.
Protein change: p.Gln352Lys; replaces glutamine 352 with lysine.
Molecular consequence: missense variant.
Genome position (GRCh38, 1-based): chr14:104,772,996, G>T on the plus strand (C>A on the coding strand, the complement: AKT1 is on the minus strand). VCF-style: chr14-104772996-G-T. GRCh37 (hg19) VCF-style: chr14-105239333-G-T.
Other names: c.1054C>A, p.Gln352Lys (NM_001014431.2, NM_001014432.2, NM_001382431.1 and 3 more transcripts); short protein forms Q352K.
Identifiers: ClinVar variation 2587644 (VCV002587644.2), dbSNP rs2140901541, ClinGen allele CA391217032.

ClinVar aggregate classification (germline): Uncertain significance (1 of 4 stars; one submission).

Conditions:
Inborn genetic diseases. Identifiers: MedGen C0950123, MeSH D030342.

Submission:

Ambry Genetics
Classification: Uncertain significance for Inborn genetic diseases. Last evaluated: 2023-09-06. Review status: criteria provided, single submitter. Criteria: Ambry Variant Classification Scheme 2023. Collection method: clinical testing. Allele origin: germline.
Comment: The p.Q352K variant (also known as c.1054C>A), located in coding exon 10 of the AKT1 gene, results from a C to A substitution at nucleotide position 1054. The glutamine at codon 352 is replaced by lysine, an amino acid with similar properties. This amino acid position is conserved. In addition, this alteration is predicted to be tolerated by in silico analysis. Since supporting evidence is limited at this time, the clinical significance of this alteration remains unclear.